The following is an entry in ClinVar:

ClinVar aggregate classification (germline): Likely benign. Review status: criteria provided, multiple submitters, no conflicts (2 of 4 stars). 3 submissions from 3 submitters: Likely benign (3). Last evaluated 2025-11-23.

Conditions:
Spastic paraplegia. Identifiers: MedGen C0037772, HP:0001258.

Allele frequency attached by ClinVar (database versions not stated): gnomAD exomes 0.00003 and 0.00010; ExAC 0.00013; gnomAD 0.00027 and 0.00030; TOPMed 0.00033; ESP Exome Variant Server 0.00085.
gnomAD v4.1: 93 of 1,612,284 alleles (0.0058%); highest among the groups gnomAD compares: African/African-American, 0.08%; no homozygotes.

Submissions (3):

Labcorp Genetics (formerly Invitae), Labcorp
Classification: Likely benign for Spastic paraplegia. Last evaluated: 2025-11-23. Review status: criteria provided, single submitter. Criteria: Invitae Variant Classification Sherloc (09022015). Collection method: clinical testing. Allele origin: germline.

Mayo Clinic Laboratories, Mayo Clinic
Classification: Likely benign. Last evaluated: 2025-05-12. Review status: criteria provided, single submitter. Criteria: ACMG Guidelines, 2015. Collection method: clinical testing. Allele origin: germline. Observed: 1 variant allele.
Comment: BP4, BP7

Blueprint Genetics
Classification: Likely benign. Last evaluated: 2024-09-13. Review status: criteria provided, single submitter. Criteria: ACMG Guidelines, 2015. Collection method: clinical testing. Allele origin: germline.

NM_015346.4(ZFYVE26):c.5433G>A (p.Pro1811=)

Gene: ZFYVE26 (zinc finger FYVE-type containing 26; minus strand). Cytogenetic location: 14q24.1.
Variant type: single nucleotide variant.
Coding change: c.5433G>A on transcript NM_015346.4 (MANE Select); coding-DNA position 5433, G replaced by A.
Protein change: p.Pro1811=; no amino-acid change (proline 1811 retained).
Molecular consequence: synonymous variant.
Genome position (GRCh38, 1-based): chr14:67,772,098, C>T on the plus strand (G>A on the coding strand, the complement: ZFYVE26 is on the minus strand). VCF-style: chr14-67772098-C-T. GRCh37 (hg19) VCF-style: chr14-68238815-C-T.
Other names: p.Pro1811=.
Identifiers: ClinVar variation 528023 (VCV000528023.13), dbSNP rs145094388, ClinGen allele CA7239502.